The following is an entry in ClinVar:

ClinVar aggregate classification (germline): Pathogenic (1 of 4 stars; one submission).

Conditions:
Inborn genetic diseases. Identifiers: MedGen C0950123, MeSH D030342.

Submission:

Ambry Genetics
Classification: Pathogenic for Inborn genetic diseases. Last evaluated: 2020-03-05. Review status: criteria provided, single submitter. Criteria: Ambry Variant Classification Scheme 2023. Collection method: clinical testing. Allele origin: germline.
Comment: The alteration results in a premature stop codon: _x000D_ _x000D_ The c.814G>T (p.E272*) alteration, located in exon 6 (coding exon 3) of the NSD2 gene, results from a G to T substitution at nucleotide position 814. This changes the amino acid from a glutamic acid (E) to a stop codon at amino acid position 272. This alteration is expected to result in loss of function by premature protein truncation or nonsense-mediated mRNA decay Based on the available evidence, this alteration is classified as pathogenic.

NM_001042424.3(NSD2):c.814G>T (p.Glu272Ter)

Gene: NSD2 (nuclear receptor binding SET domain protein 2; plus strand). Cytogenetic location: 4p16.3.
Variant type: single nucleotide variant.
Coding change: c.814G>T on transcript NM_001042424.3 (MANE Select); coding-DNA position 814, G replaced by T.
Protein change: p.Glu272Ter; replaces glutamic acid 272 with a stop codon.
Molecular consequence: nonsense.
Genome position (GRCh38, 1-based): chr4:1,916,924, G>T. VCF-style: chr4-1916924-G-T. GRCh37 (hg19) VCF-style: chr4-1918651-G-T.
Other names: c.814G>T, p.Glu272Ter (NM_007331.2, NM_133330.3, NM_133331.3 and 2 more transcripts); short protein forms E272*.
Identifiers: ClinVar variation 985811 (VCV000985811.3), dbSNP rs1719469952, ClinGen allele CA356001531.